The following is an entry in ClinVar:

NM_014334.4(FRRS1L):c.501T>G (p.Asn167Lys)

Gene: FRRS1L (ferric chelate reductase 1 like; minus strand). Cytogenetic location: 9q31.3.
Variant type: single nucleotide variant.
Coding change: c.501T>G on transcript NM_014334.4 (MANE Select); coding-DNA position 501, T replaced by G.
Protein change: p.Asn167Lys; replaces asparagine 167 with lysine.
Molecular consequence: missense variant.
Genome position (GRCh38, 1-based): chr9:109,141,551, A>C on the plus strand (T>G on the coding strand, the complement: FRRS1L is on the minus strand). VCF-style: chr9-109141551-A-C. GRCh37 (hg19) VCF-style: chr9-111903831-A-C.
Other names: short protein forms N167K.
Identifiers: ClinVar variation 1520028 (VCV001520028.8), dbSNP rs1348709925, ClinGen allele CA374425042.

ClinVar aggregate classification (germline): Uncertain significance (1 of 4 stars; one submission).

Conditions:
Developmental and epileptic encephalopathy, 37 (DEE37). Also called: Epileptic encephalopathy, early infantile, 37. Identifiers: MedGen C4310770, MONDO:0014859, OMIM 616981.

gnomAD v4.1: 1 of 1,613,950 alleles (0.000062%); highest among the groups gnomAD compares: African/African-American, 0.0013%; no homozygotes.

Submission:

Labcorp Genetics (formerly Invitae), Labcorp
Classification: Uncertain significance for Developmental and epileptic encephalopathy, 37. Last evaluated: 2021-03-26. Review status: criteria provided, single submitter. Criteria: Invitae Variant Classification Sherloc (09022015). Collection method: clinical testing. Allele origin: germline.
Comment: Algorithms developed to predict the effect of sequence changes on RNA splicing suggest that this variant may create or strengthen a splice site, but this prediction has not been confirmed by published transcriptional studies. Algorithms developed to predict the effect of missense changes on protein structure and function (SIFT, PolyPhen-2, Align-GVGD) all suggest that this variant is likely to be tolerated, but these predictions have not been confirmed by published functional studies and their clinical significance is uncertain. This variant has not been reported in the literature in individuals with FRRS1L-related conditions. This variant is not present in population databases (ExAC no frequency). This sequence change replaces asparagine with lysine at codon 218 of the FRRS1L protein (p.Asn218Lys). The asparagine residue is highly conserved and there is a moderate physicochemical difference between asparagine and lysine. In summary, the available evidence is currently insufficient to determine the role of this variant in disease. Therefore, it has been classified as a Variant of Uncertain Significance.